The following is an entry in ClinVar:

NM_003361.4(UMOD):c.804C>G (p.Ala268=)

Gene: UMOD (uromodulin; minus strand). Cytogenetic location: 16p12.3.
Variant type: single nucleotide variant.
Coding change: c.804C>G on transcript NM_003361.4 (MANE Select); coding-DNA position 804, C replaced by G.
Protein change: p.Ala268=; no amino-acid change (alanine 268 retained).
Molecular consequence: synonymous variant. On other transcripts: non-coding transcript variant (1).
Genome position (GRCh38, 1-based): chr16:20,348,497, G>C on the plus strand (C>G on the coding strand, the complement: UMOD is on the minus strand). VCF-style: chr16-20348497-G-C. GRCh37 (hg19) VCF-style: chr16-20359819-G-C.
Other names: c.804C>G, p.Ala268= (NM_001008389.3, NM_001378232.1, NM_001378233.1 and 3 more transcripts); c.903C>G, p.Ala301= (NM_001278614.2).
Identifiers: ClinVar variation 3042064 (VCV003042064.2), dbSNP rs769862242, ClinGen allele CA7939404.

ClinVar aggregate classification (germline): Likely benign (0 of 4 stars; one submission).

Conditions:
UMOD-related disorder. Also called: UMOD-related condition.

gnomAD v4.1: 16 of 1,611,176 alleles (0.00099%); highest among the groups gnomAD compares: Admixed American, 0.0017%; no homozygotes.

Submission:

PreventionGenetics, part of Exact Sciences
Classification: Likely benign for UMOD-related condition. Last evaluated: 2019-05-11. Review status: no assertion criteria provided. Collection method: clinical testing. Allele origin: germline.
Comment: This variant is classified as likely benign based on ACMG/AMP sequence variant interpretation guidelines (Richards et al. 2015 PMID: 25741868, with internal and published modifications).